The following is an entry in ClinVar:

ClinVar aggregate classification (germline): Conflicting classifications of pathogenicity. Review status: criteria provided, conflicting classifications (1 of 4 stars). 2 submissions from 2 submitters: Uncertain significance (1); Likely benign (1). Last evaluated 2025-07-01.

Conditions:
Geleophysic dysplasia 1 (GPHYSD1). Also called: Geleophysic dwarfism. Identifiers: Orphanet 2623, MedGen C3278147, MONDO:0009269, OMIM 231050.

Allele frequency attached by ClinVar (database versions not stated): TOPMed 0.00037; gnomAD 0.00040; gnomAD exomes 0.00068.
gnomAD v4.1: 1,016 of 1,578,480 alleles (0.064%); highest among the groups gnomAD compares: Non-Finnish European, 0.083%; no homozygotes.

Submissions (2):

CeGaT Center for Human Genetics Tuebingen
Classification: Likely benign. Last evaluated: 2025-07-01. Review status: criteria provided, single submitter. Criteria: CeGaT Center For Human Genetics Tuebingen Variant Classification Criteria Version 2. Collection method: clinical testing. Allele origin: germline. Affected: yes. Observed: 1 variant allele.
Comment: ADAMTSL2: BP4, BP7

Illumina Laboratory Services, Illumina
Classification: Uncertain significance for Geleophysic dysplasia 1. Last evaluated: 2018-01-13. Review status: criteria provided, single submitter. Criteria: ICSL Variant Classification Criteria 13 December 2019. Collection method: clinical testing. Allele origin: germline.

NM_014694.4(ADAMTSL2):c.1911C>T (p.Thr637=)

Gene: ADAMTSL2 (ADAMTS like 2; plus strand). Cytogenetic location: 9q34.2.
Variant type: single nucleotide variant.
Coding change: c.1911C>T on transcript NM_014694.4 (MANE Select); coding-DNA position 1911, C replaced by T.
Protein change: p.Thr637=; no amino-acid change (threonine 637 retained).
Molecular consequence: synonymous variant.
Genome position (GRCh38, 1-based): chr9:133,568,309, C>T. VCF-style: chr9-133568309-C-T. GRCh37 (hg19) VCF-style: chr9-136433431-C-T.
Other names: c.1911C>T, p.Thr637= (NM_001145320.2).
Identifiers: ClinVar variation 914902 (VCV000914902.12), dbSNP rs891412360, ClinGen allele CA200936546.